The following is an entry in ClinVar:

NM_005816.5(CD96):c.1216G>T (p.Val406Leu)

Gene: CD96 (CD96 molecule; plus strand). Cytogenetic location: 3q13.2.
Variant type: single nucleotide variant.
Coding change: c.1216G>T on transcript NM_005816.5 (MANE Select); coding-DNA position 1216, G replaced by T.
Protein change: p.Val406Leu; replaces valine 406 with leucine.
Molecular consequence: missense variant. On other transcripts: non-coding transcript variant (1).
Genome position (GRCh38, 1-based): chr3:111,623,789, G>T. VCF-style: chr3-111623789-G-T. GRCh37 (hg19) VCF-style: chr3-111342636-G-T.
Other names: c.1264G>T, p.Val422Leu (NM_198196.3); short protein forms V422L, V406L.
Identifiers: ClinVar variation 2150647 (VCV002150647.6), dbSNP rs200767318, ClinGen allele CA2534691.

ClinVar aggregate classification (germline): Uncertain significance. Review status: criteria provided, multiple submitters, no conflicts (2 of 4 stars). 2 submissions from 2 submitters: Uncertain significance (2). Last evaluated 2024-11-10.

Allele frequency attached by ClinVar (database versions not stated): TOPMed 0.00014.
gnomAD v4.1: 194 of 1,612,464 alleles (0.012%); highest among the groups gnomAD compares: Middle Eastern, 0.082%; no homozygotes.

Submissions (2):

Ambry Genetics
Classification: Uncertain significance. Last evaluated: 2024-11-10. Review status: criteria provided, single submitter. Criteria: Ambry Variant Classification Scheme 2023. Collection method: clinical testing. Allele origin: germline.

Labcorp Genetics (formerly Invitae), Labcorp
Classification: Uncertain significance. Last evaluated: 2024-03-02. Review status: criteria provided, single submitter. Criteria: Invitae Variant Classification Sherloc (09022015). Collection method: clinical testing. Allele origin: germline.
Comment: This sequence change replaces valine, which is neutral and non-polar, with leucine, which is neutral and non-polar, at codon 422 of the CD96 protein (p.Val422Leu). This variant is present in population databases (rs200767318, gnomAD 0.1%), and has an allele count higher than expected for a pathogenic variant. This variant has not been reported in the literature in individuals affected with CD96-related conditions. ClinVar contains an entry for this variant (Variation ID: 2150647). Advanced modeling of protein sequence and biophysical properties (such as structural, functional, and spatial information, amino acid conservation, physicochemical variation, residue mobility, and thermodynamic stability) performed at Invitae indicates that this missense variant is not expected to disrupt CD96 protein function with a negative predictive value of 80%. In summary, the available evidence is currently insufficient to determine the role of this variant in disease. Therefore, it has been classified as a Variant of Uncertain Significance.